The following is an entry in ClinVar:

ClinVar aggregate classification (germline): Uncertain significance (1 of 4 stars; one submission).

Conditions:
Autosomal recessive severe congenital neutropenia due to JAGN1 deficiency. Also called: Severe congenital neutropenia 6, autosomal recessive. Identifiers: Orphanet 423384, MedGen C4014954, MONDO:0014456, OMIM 616022.

Submission:

Labcorp Genetics (formerly Invitae), Labcorp
Classification: Uncertain significance for Autosomal recessive severe congenital neutropenia due to JAGN1 deficiency. Last evaluated: 2020-01-26. Review status: criteria provided, single submitter. Criteria: Invitae Variant Classification Sherloc (09022015). Collection method: clinical testing. Allele origin: germline.
Comment: This sequence change replaces serine with asparagine at codon 106 of the JAGN1 protein (p.Ser106Asn). The serine residue is highly conserved and there is a small physicochemical difference between serine and asparagine. This variant is not present in population databases (ExAC no frequency). This variant has not been reported in the literature in individuals with JAGN1-related conditions. Algorithms developed to predict the effect of missense changes on protein structure and function are either unavailable or do not agree on the potential impact of this missense change (SIFT: "Deleterious"; PolyPhen-2: "Possibly Damaging"; Align-GVGD: "Class C0"). In summary, the available evidence is currently insufficient to determine the role of this variant in disease. Therefore, it has been classified as a Variant of Uncertain Significance.

NM_032492.4(JAGN1):c.317G>A (p.Ser106Asn)

Gene: JAGN1 (jagunal vesicle mediated transporter 1; plus strand). Cytogenetic location: 3p25.3.
Variant type: single nucleotide variant.
Coding change: c.317G>A on transcript NM_032492.4 (MANE Select); coding-DNA position 317, G replaced by A.
Protein change: p.Ser106Asn; replaces serine 106 with asparagine.
Molecular consequence: missense variant.
Genome position (GRCh38, 1-based): chr3:9,893,142, G>A. VCF-style: chr3-9893142-G-A. GRCh37 (hg19) VCF-style: chr3-9934826-G-A.
Other names: c.155G>A, p.Ser52Asn (NM_001363890.1); short protein forms S106N, S52N.
Identifiers: ClinVar variation 1011467 (VCV001011467.5), dbSNP rs2082574453, ClinGen allele CA351715816.